The following is an entry in ClinVar:

NM_000196.4(HSD11B2):c.803-2A>C

Gene: HSD11B2 (hydroxysteroid 11-beta dehydrogenase 2; plus strand). Cytogenetic location: 16q22.1.
Variant type: single nucleotide variant.
Coding change: c.803-2A>C on transcript NM_000196.4 (MANE Select); the canonical splice acceptor site of the intron before coding-DNA position 803, A replaced by C.
Molecular consequence: splice acceptor variant.
Genome position (GRCh38, 1-based): chr16:67,436,586, A>C. VCF-style: chr16-67436586-A-C. GRCh37 (hg19) VCF-style: chr16-67470489-A-C.
Identifiers: ClinVar variation 4727719 (VCV004727719.1).

ClinVar aggregate classification (germline): Uncertain significance (1 of 4 stars; one submission).

Submission:

Labcorp Genetics (formerly Invitae), Labcorp
Classification: Uncertain significance. Last evaluated: 2025-09-23. Review status: criteria provided, single submitter. Criteria: Invitae Variant Classification Sherloc (09022015). Collection method: clinical testing. Allele origin: germline.
Comment: This sequence change affects an acceptor splice site in intron 4 of the HSD11B2 gene. While this variant is not anticipated to result in nonsense mediated decay, it likely alters RNA splicing and results in a disrupted protein product. This variant is not present in population databases (gnomAD no frequency). This variant has not been reported in the literature in individuals affected with HSD11B2-related conditions. Variants that disrupt the consensus splice site are a relatively common cause of aberrant splicing (PMID: 17576681, 9536098). Algorithms developed to predict the effect of sequence changes on RNA splicing suggest that this variant may disrupt the consensus splice site. In summary, the available evidence is currently insufficient to determine the role of this variant in disease. Therefore, it has been classified as a Variant of Uncertain Significance.

Literature cited by the submitters: PubMed 17576681; PubMed 9536098.